The following is an entry in ClinVar:

NM_000552.5(VWF):c.7344C>T (p.Cys2448=)

Gene: VWF (von Willebrand factor; minus strand). Cytogenetic location: 12p13.31.
Variant type: single nucleotide variant.
Coding change: c.7344C>T on transcript NM_000552.5 (MANE Select); coding-DNA position 7344, C replaced by T.
Protein change: p.Cys2448=; no amino-acid change (cysteine 2448 retained).
Molecular consequence: synonymous variant.
Genome position (GRCh38, 1-based): chr12:5,976,204, G>A on the plus strand (C>T on the coding strand, the complement: VWF is on the minus strand). VCF-style: chr12-5976204-G-A. GRCh37 (hg19) VCF-style: chr12-6085370-G-A.
Other names: c.7344C>T (NM_000552.4).
Identifiers: ClinVar variation 806788 (VCV000806788.18), dbSNP rs55944252, ClinGen allele CA6401699.

ClinVar aggregate classification (germline): Likely benign. Review status: criteria provided, multiple submitters, no conflicts (2 of 4 stars). 6 submissions from 6 submitters: Likely benign (4). 2 of the submissions do not count toward it. Last evaluated 2025-08-14.

Conditions:
VWF-related disorder. Also called: VWF-related condition; VWF-related disorders.

Allele frequency attached by ClinVar (database versions not stated): gnomAD exomes 0.00036; 1000 Genomes Project 0.00040; gnomAD 0.00043 and 0.00046; 1000 Genomes Project 30x 0.00047; TOPMed 0.00052; ESP Exome Variant Server 0.00054; ExAC 0.00031.
gnomAD v4.1: 692 of 1,614,104 alleles (0.043%); highest among the groups gnomAD compares: Admixed American, 0.058%; no homozygotes.

Submissions (6):

PreventionGenetics, part of Exact Sciences
Classification: Likely benign for VWF-related condition. Last evaluated: 2025-08-14. Review status: criteria provided, single submitter. Criteria: ACMG Guidelines, 2015. Collection method: clinical testing. Allele origin: germline.
Comment: This variant is classified as likely benign based on ACMG/AMP sequence variant interpretation guidelines (Richards et al. 2015 PMID: 25741868, with internal and published modifications).

Quest Diagnostics Nichols Institute San Juan Capistrano
Classification: Likely benign. Last evaluated: 2025-07-12. Review status: criteria provided, single submitter. Criteria: Quest Diagnostics criteria. Collection method: clinical testing. Allele origin: unknown.

Women's Health and Genetics/Laboratory Corporation of America, LabCorp
Classification: Likely benign. Last evaluated: 2024-11-04. Review status: criteria provided, single submitter. Criteria: LabCorp Variant Classification Summary - May 2015. Collection method: clinical testing. Allele origin: germline.

ARUP Laboratories, Molecular Genetics and Genomics, ARUP Laboratories
Classification: Likely benign. Last evaluated: 2024-10-04. Review status: criteria provided, single submitter. Criteria: ARUP Molecular Germline Variant Investigation Process 2024. Collection method: clinical testing. Allele origin: germline.

Genome Diagnostics Laboratory, University Medical Center Utrecht
Classification: Likely benign. Review status: no assertion criteria provided. Collection method: clinical testing. Allele origin: germline. Affected: yes. Study: VKGL Data-share Consensus. Not counted in ClinVar's aggregate classification.

Joint Genome Diagnostic Labs from Nijmegen and Maastricht, Radboudumc and MUMC+
Classification: Likely benign. Review status: no assertion criteria provided. Collection method: clinical testing. Allele origin: germline. Affected: yes. Study: VKGL Data-share Consensus. Not counted in ClinVar's aggregate classification.

Literature cited by the submitters: PubMed 36644153 (cited by Quest Diagnostics Nichols Institute San Juan Capistrano); PubMed 23216583 (cited by Quest Diagnostics Nichols Institute San Juan Capistrano); PubMed 28971901 (cited by Quest Diagnostics Nichols Institute San Juan Capistrano); PubMed 31249928 (cited by Quest Diagnostics Nichols Institute San Juan Capistrano).